The following is an entry in ClinVar:

ClinVar aggregate classification (germline): Uncertain significance (0 of 4 stars; one submission).

Conditions:
NALCN-related disorder. Also called: NALCN-related condition; NALCN-related disorders.

gnomAD v4.1: 15 of 1,613,970 alleles (0.00093%); highest among the groups gnomAD compares: Middle Eastern, 0.016%; no homozygotes.

Submission:

PreventionGenetics, part of Exact Sciences
Classification: Uncertain significance for NALCN-related condition. Last evaluated: 2024-04-18. Review status: no assertion criteria provided. Collection method: clinical testing. Allele origin: germline.
Comment: The NALCN c.2326A>C variant is predicted to result in the amino acid substitution p.Ile776Leu. To our knowledge, this variant has not been reported in the literature. This variant is reported in 0.020% of alleles in individuals of South Asian descent in gnomAD. At this time, the clinical significance of this variant is uncertain due to the absence of conclusive functional and genetic evidence.

NM_052867.4(NALCN):c.2326A>C (p.Ile776Leu)

Gene: NALCN (sodium leak channel, non-selective; minus strand). Cytogenetic location: 13q33.1.
Variant type: single nucleotide variant.
Coding change: c.2326A>C on transcript NM_052867.4 (MANE Select); coding-DNA position 2326, A replaced by C.
Protein change: p.Ile776Leu; replaces isoleucine 776 with leucine.
Molecular consequence: missense variant.
Genome position (GRCh38, 1-based): chr13:101,110,657, T>G on the plus strand (A>C on the coding strand, the complement: NALCN is on the minus strand). VCF-style: chr13-101110657-T-G. GRCh37 (hg19) VCF-style: chr13-101763008-T-G.
Other names: c.2413A>C, p.Ile805Leu (NM_001350748.2); c.2326A>C, p.Ile776Leu (NM_001350749.2); c.2239A>C, p.Ile747Leu (NM_001350750.2, NM_001350751.2); short protein forms I747L, I776L, I805L.
Identifiers: ClinVar variation 3356482 (VCV003356482.1).